The following is an entry in ClinVar:

NM_006147.4(IRF6):c.4G>A (p.Ala2Thr)

Gene: IRF6 (interferon regulatory factor 6; minus strand). Cytogenetic location: 1q32.2.
Variant type: single nucleotide variant.
Coding change: c.4G>A on transcript NM_006147.4 (MANE Select); coding-DNA position 4, G replaced by A.
Protein change: p.Ala2Thr; replaces alanine 2 with threonine.
Molecular consequence: missense variant. On other transcripts: intron variant (1).
Genome position (GRCh38, 1-based): chr1:209,801,410, C>T on the plus strand (G>A on the coding strand, the complement: IRF6 is on the minus strand). VCF-style: chr1-209801410-C-T. GRCh37 (hg19) VCF-style: chr1-209974755-C-T.
Other names: c.-112+4537G>A (NM_001206696.2); short protein forms A2T.
Identifiers: ClinVar variation 4070763 (VCV004070763.1).
Genomic context (GRCh38, chr1:209,801,410, plus strand): 5'-GGCCACTATCCACCTGGGCCACCAGCCAGGGCTTTAGCCGGACTCTGCGGGGGTGGAGGG[C>T]CATGATCTGGGGGGGTCAGAGGGAGAAATGGGAAGAGCAGAAGAATTAGGCCAGCCACTG-3'
Protein context (NP_006138.1, residues 1-12): M[Ala2Thr]LHPRRVRLKP

ClinVar aggregate classification (germline): Uncertain significance (1 of 4 stars; one submission).

Submission:

GeneDx
Classification: Uncertain significance. Last evaluated: 2025-01-16. Review status: criteria provided, single submitter. Criteria: GeneDx Variant Classification Process June 2021. Collection method: clinical testing. Allele origin: germline. Affected: yes.
Comment: Not observed at significant frequency in large population cohorts (gnomAD); In silico analysis indicates that this missense variant does not alter protein structure/function; Has not been previously published as pathogenic or benign to our knowledge